The following is an entry in ClinVar:

NM_000362.5(TIMP3):c.339G>A (p.Met113Ile)

Genes: SYN3 (synapsin III; minus strand), TIMP3 (TIMP metallopeptidase inhibitor 3; plus strand). Cytogenetic location: 22q12.3.
Variant type: single nucleotide variant.
Coding change: c.339G>A on transcript NM_000362.5 (MANE Select); coding-DNA position 339, G replaced by A.
Protein change: p.Met113Ile; replaces methionine 113 with isoleucine.
Molecular consequence: missense variant. On other transcripts: intron variant (7).
Genome position (GRCh38, 1-based): chr22:32,858,039, G>A. VCF-style: chr22-32858039-G-A. GRCh37 (hg19) VCF-style: chr22-33254026-G-A.
Other names: c.708+6876C>T (NM_001369909.1, NM_001135774.2, NM_001369910.1); c.711+6876C>T (NM_001369907.1, NM_003490.4, NM_001369908.1 and 1 more transcripts); short protein forms M113I.
Identifiers: ClinVar variation 1042260 (VCV001042260.11), dbSNP rs772323070, ClinGen allele CA10202236.

ClinVar aggregate classification (germline): Uncertain significance. Review status: criteria provided, multiple submitters, no conflicts (2 of 4 stars). 3 submissions from 3 submitters: Uncertain significance (3). Last evaluated 2025-09-12.

Conditions:
TIMP3-related disorder. Also called: TIMP3-related condition.

Allele frequency attached by ClinVar (database versions not stated): ExAC 0.00001; gnomAD 0.00001; gnomAD exomes 0.00001.
gnomAD v4.1: 13 of 1,614,076 alleles (0.00081%); highest among the groups gnomAD compares: Admixed American, 0.0017%; no homozygotes.

Submissions (3):

PreventionGenetics, part of Exact Sciences
Classification: Uncertain significance for TIMP3-related condition. Last evaluated: 2025-09-12. Review status: criteria provided, single submitter. Criteria: ACMG Guidelines, 2015. Collection method: clinical testing. Allele origin: germline.
Comment: The TIMP3 c.339G>A variant is predicted to result in the amino acid substitution p.Met113Ile. To our knowledge, this variant has not been reported in the literature. This variant is reported in 0.0026% of alleles in individuals of European (Non-Finnish) descent in gnomAD. At this time, the clinical significance of this variant is uncertain due to the absence of conclusive functional and genetic evidence.

Ambry Genetics
Classification: Uncertain significance. Last evaluated: 2025-08-31. Review status: criteria provided, single submitter. Criteria: Ambry Variant Classification Scheme 2023. Collection method: clinical testing. Allele origin: germline.

Labcorp Genetics (formerly Invitae), Labcorp
Classification: Uncertain significance. Last evaluated: 2024-10-15. Review status: criteria provided, single submitter. Criteria: Invitae Variant Classification Sherloc (09022015). Collection method: clinical testing. Allele origin: germline.
Comment: This sequence change replaces methionine, which is neutral and non-polar, with isoleucine, which is neutral and non-polar, at codon 113 of the TIMP3 protein (p.Met113Ile). This variant is present in population databases (rs772323070, gnomAD 0.0009%). This variant has not been reported in the literature in individuals affected with TIMP3-related conditions. ClinVar contains an entry for this variant (Variation ID: 1042260). An algorithm developed to predict the effect of missense changes on protein structure and function (PolyPhen-2) suggests that this variant is likely to be tolerated. In summary, the available evidence is currently insufficient to determine the role of this variant in disease. Therefore, it has been classified as a Variant of Uncertain Significance.